The following is an entry in ClinVar:

NM_000432.4(MYL2):c.425T>A (p.Phe142Tyr)

Gene: MYL2 (myosin light chain 2; minus strand). Cytogenetic location: 12q24.11.
Variant type: single nucleotide variant.
Coding change: c.425T>A on transcript NM_000432.4 (MANE Select); coding-DNA position 425, T replaced by A.
Protein change: p.Phe142Tyr; replaces phenylalanine 142 with tyrosine.
Molecular consequence: missense variant.
Genome position (GRCh38, 1-based): chr12:110,911,153, A>T on the plus strand (T>A on the coding strand, the complement: MYL2 is on the minus strand). VCF-style: chr12-110911153-A-T. GRCh37 (hg19) VCF-style: chr12-111348957-A-T.
Other names: c.383T>A, p.Phe128Tyr (NM_001406745.1); c.368T>A, p.Phe123Tyr (NM_001406916.1); short protein forms F123Y, F128Y, F142Y.
Identifiers: ClinVar variation 4702139 (VCV004702139.1).
Genomic context (GRCh38, chr12:110,911,153, plus strand): 5'-CCGTGGGTGATGATGTGCACCAGGTTCTTGTAGTCCAAGTTGCCAGTCACGTCAGGGGGG[A>T]AGGCGGCGAACATCTGGTCAACCTGCAATGAGCCAGCAACACGTGCTAAGGACGAGGGGA-3'
Protein context (NP_000423.2, residues 132-152): KEEVDQMFAA[Phe142Tyr]PPDVTGNLDY

ClinVar aggregate classification (germline): Uncertain significance (1 of 4 stars; one submission).

Conditions:
Hypertrophic cardiomyopathy 10. Also called: CARDIOMYOPATHY, HYPERTROPHIC, MID-LEFT VENTRICULAR CHAMBER TYPE, 2; MYL2-Related Familial Hypertrophic Cardiomyopathy. Identifiers: MedGen C1834460, MONDO:0012112, OMIM 608758.

gnomAD v4.1: 2 of 1,604,998 alleles (0.00012%); highest among the groups gnomAD compares: Admixed American, 0.0034%; no homozygotes.

Submission:

Labcorp Genetics (formerly Invitae), Labcorp
Classification: Uncertain significance for Hypertrophic cardiomyopathy 10. Last evaluated: 2025-02-03. Review status: criteria provided, single submitter. Criteria: Invitae Variant Classification Sherloc (09022015). Collection method: clinical testing. Allele origin: germline.
Comment: This sequence change replaces phenylalanine, which is neutral and non-polar, with tyrosine, which is neutral and polar, at codon 142 of the MYL2 protein (p.Phe142Tyr). This variant is present in population databases (no rsID available, gnomAD 0.006%). This variant has not been reported in the literature in individuals affected with MYL2-related conditions. An algorithm developed to predict the effect of missense changes on protein structure and function (PolyPhen-2) suggests that this variant is likely to be tolerated. In summary, the available evidence is currently insufficient to determine the role of this variant in disease. Therefore, it has been classified as a Variant of Uncertain Significance.